The following is an entry in ClinVar:

NM_002591.4(PCK1):c.249G>T (p.Arg83Ser)

Gene: PCK1 (phosphoenolpyruvate carboxykinase 1; plus strand). Cytogenetic location: 20q13.31.
Variant type: single nucleotide variant.
Coding change: c.249G>T on transcript NM_002591.4 (MANE Select); coding-DNA position 249, G replaced by T.
Protein change: p.Arg83Ser; replaces arginine 83 with serine.
Molecular consequence: missense variant.
Genome position (GRCh38, 1-based): chr20:57,562,095, G>T. VCF-style: chr20-57562095-G-T. GRCh37 (hg19) VCF-style: chr20-56137151-G-T.
Other names: short protein forms R83S.
Identifiers: ClinVar variation 2162901 (VCV002162901.4), dbSNP rs755169252, ClinGen allele CA9921947.

ClinVar aggregate classification (germline): Uncertain significance (1 of 4 stars; one submission).

Allele frequency attached by ClinVar (database versions not stated): ExAC 0.00001; gnomAD 0.00001.

Submission:

Labcorp Genetics (formerly Invitae), Labcorp
Classification: Uncertain significance. Last evaluated: 2023-05-15. Review status: criteria provided, single submitter. Criteria: Invitae Variant Classification Sherloc (09022015). Collection method: clinical testing. Allele origin: germline.
Comment: ClinVar contains an entry for this variant (Variation ID: 2162901). This sequence change replaces arginine, which is basic and polar, with serine, which is neutral and polar, at codon 83 of the PCK1 protein (p.Arg83Ser). This variant is present in population databases (rs755169252, gnomAD 0.006%). This variant has not been reported in the literature in individuals affected with PCK1-related conditions. Advanced modeling of protein sequence and biophysical properties (such as structural, functional, and spatial information, amino acid conservation, physicochemical variation, residue mobility, and thermodynamic stability) performed at Invitae indicates that this missense variant is not expected to disrupt PCK1 protein function. In summary, the available evidence is currently insufficient to determine the role of this variant in disease. Therefore, it has been classified as a Variant of Uncertain Significance. Algorithms developed to predict the effect of sequence changes on RNA splicing suggest that this variant may disrupt the consensus splice site.